The following is an entry in ClinVar:

ClinVar aggregate classification (germline): Likely pathogenic. Review status: reviewed by expert panel (3 of 4 stars). 4 submissions from 4 submitters: Likely pathogenic (1). 3 of the submissions do not count toward it. Last evaluated 2025-09-29.

Conditions:
AIPL1-related retinopathy. Also called: AIPL1 retinopathy. Identifiers: MedGen CN305590, MONDO:0100438.
Leber congenital amaurosis (LCA). Also called: Leber's amaurosis. Identifiers: Orphanet 65, MedGen C0339527, MeSH D057130, MONDO:0018998.
Leber congenital amaurosis 4 (LCA4). Identifiers: MedGen C1858386, MONDO:0011458, OMIM 604393.

Allele frequency attached by ClinVar (database versions not stated): gnomAD exomes below 0.00001; ExAC 0.00001.
gnomAD v4.1: 2 of 1,614,150 alleles (0.00012%); no homozygotes.

Submissions (4):

ClinGen Leber Congenital Amaurosis/early Onset Retinal Dystrophy Variant Curation Expert Panel, ClinGen
Classification: Likely pathogenic for AIPL1-related retinopathy. Last evaluated: 2025-09-29. Review status: reviewed by expert panel. Criteria: ClinGen LCAeoRD ACMG Specifications AIPL1 V1.0.0. Collection method: curation. Allele origin: germline. Inheritance: Autosomal recessive inheritance.
Comment: NM_014336.5(AIPL1):c.211G>T (p.Val71Phe) is a missense variant resulting in replacement of valine by phenylalanine at amino acid p.71. This variant is present in gnomAD v.4.1.0 at a total allele frequency of 0.000001239, with 2 / 1,614,150 total alleles, which is lower than the ClinGen LCA/eoRD VCEP PM2_Supporting threshold of <0.0004 (PM2_Supporting). This variant has been reported in at least 2 probands with early-onset severe retinal dystrophy who were homozygous for the variant (1 point, PMID: 15024725, PMID: 20079931, PMID: 20702822, PMID: 26306921). This variant has also been reported in at least 1 proband with early-onset severe retinal dystrophy who was compound heterozygous with the NM_014336.5(AIPL1):c.216G>A (p.Trp72Ter) variant likely confirmed in trans due to their physical proximity (1 point, PMID: 20702822), which was previously classified pathogenic by the ClinGen LCA/eoRD VCEP (2 total points, PM3_Strong). The variant has been reported in an additional proband with early-onset severe retinal dystrophy who was compound heterozygous with the NM_014336.5(AIPL1):c.730GAG[1] (p.Glu245del) variant suspected in trans, which has not yet been classified by the ClinGen LCA/eoRD VCEP. At least one proband harboring this variant exhibits a phenotype including a diagnosis of Leber congenital amaurosis (0.5 pts) received before age 5 years (1 pt), severely reduced central visual acuity (1 pt), kinetic visual field extent (V-4e) undetectable (1 pt), nystagmus (1 pt), and nondetectable electroretinogram responses from both rods (0.5 pts) and cones (1 pt), which together are specific for AIPL1-related retinopathy (total 6 points, PMID: 20702822, PP4). The computational predictor REVEL gives a score of 0.780, which is above the ClinGen LCA/eoRD VCEP threshold of ≥0.774 and predicts a damaging effect on AIPL1 protein function (PP3_Moderate). The splicing impact predictor SpliceAI gives a score of 0.02 for acceptor gain, which is below the ClinGen LCA/eoRD VCEP recommended threshold of ≥0.2 and does not strongly predict an impact on splicing. Co-expression of the variant with PDE6C and Pγ resulted in less than 10% of cGMP hydrolysis activity relative to the wild-type AIPL1 control (PMID: 27268253), while X-ray crystal structures of the wild-type and variant AIPL1 identified an inability of the variant to bind prenyl groups, which are relevant to AIPL1 interaction with the isoprenylated C-terminus of PDE6 (PMID: 28973376)(PS3_supporting). In summary, this variant meets the criteria to be classified as Likely Pathogenic for AIPL1-related retinopathy based on the ACMG/AMP criteria applied, as specified by the ClinGen LCA/eoRD VCEP: PM2_Supporting, PM3_Strong, PP3_Moderate, PS3_supporting and PP4. (VCEP specifications version 1.0.0; date of approval 09/24/2025).

Labcorp Genetics (formerly Invitae), Labcorp
Classification: Pathogenic for Leber congenital amaurosis 4. Last evaluated: 2024-12-08. Review status: criteria provided, single submitter. Criteria: Invitae Variant Classification Sherloc (09022015). Collection method: clinical testing. Allele origin: germline. Not counted in ClinVar's aggregate classification.
Comment: This sequence change replaces valine, which is neutral and non-polar, with phenylalanine, which is neutral and non-polar, at codon 71 of the AIPL1 protein (p.Val71Phe). This variant is present in population databases (rs775364986, gnomAD 0.0009%). This missense change has been observed in individuals with Leber congenital amaurosis (PMID: 15024725, 20079931, 20702822, 26306921). ClinVar contains an entry for this variant (Variation ID: 812219). Invitae Evidence Modeling of protein sequence and biophysical properties (such as structural, functional, and spatial information, amino acid conservation, physicochemical variation, residue mobility, and thermodynamic stability) indicates that this missense variant is expected to disrupt AIPL1 protein function with a positive predictive value of 95%. Experimental studies have shown that this missense change affects AIPL1 function (PMID: 27268253, 28739921, 28973376). For these reasons, this variant has been classified as Pathogenic.

Sharon lab, Hadassah-Hebrew University Medical Center
Classification: Pathogenic for Leber congenital amaurosis. Last evaluated: 2019-06-23. Review status: no assertion criteria provided. Collection method: research. Allele origin: inherited. Affected: yes. Not counted in ClinVar's aggregate classification.

Laboratory of Genetics in Ophthalmology, Institut Imagine
Classification: Pathogenic for Leber congenital amaurosis 4. Review status: no assertion criteria provided. Collection method: research. Allele origin: inherited. Affected: yes. Observed: 2 variant alleles. Not counted in ClinVar's aggregate classification.

Literature cited by the submitters: PubMed 15024725 (cited by Labcorp Genetics (formerly Invitae), Labcorp and Laboratory of Genetics in Ophthalmology, Institut Imagine); PubMed 20079931 (cited by Labcorp Genetics (formerly Invitae), Labcorp); PubMed 20702822 (cited by Labcorp Genetics (formerly Invitae), Labcorp); PubMed 26306921 (cited by Labcorp Genetics (formerly Invitae), Labcorp and Laboratory of Genetics in Ophthalmology, Institut Imagine); PubMed 27268253 (cited by Labcorp Genetics (formerly Invitae), Labcorp); PubMed 28739921 (cited by Labcorp Genetics (formerly Invitae), Labcorp); PubMed 28973376 (cited by Labcorp Genetics (formerly Invitae), Labcorp).

NM_014336.5(AIPL1):c.211G>T (p.Val71Phe)

Gene: AIPL1 (AIP like 1 HSP90 co-chaperone; minus strand). Cytogenetic location: 17p13.2.
Variant type: single nucleotide variant.
Coding change: c.211G>T on transcript NM_014336.5 (MANE Select); coding-DNA position 211, G replaced by T.
Protein change: p.Val71Phe; replaces valine 71 with phenylalanine.
Molecular consequence: missense variant. On other transcripts: intron variant (1).
Genome position (GRCh38, 1-based): chr17:6,433,984, C>A on the plus strand (G>T on the coding strand, the complement: AIPL1 is on the minus strand). VCF-style: chr17-6433984-C-A. GRCh37 (hg19) VCF-style: chr17-6337304-C-A.
Other names: NM_014336.5(AIPL1):c.211G>T; p.Val71Phe; c.211G>T, p.Val71Phe (NM_001033054.3, NM_001285401.3, NM_001285403.4); c.175G>T, p.Val59Phe (NM_001285399.3); c.145G>T, p.Val49Phe (NM_001285400.3); c.94G>T, p.Val32Phe (NM_001285402.2); c.96+1025G>T (NM_001033055.3); short protein forms V32F, V49F, V71F, V59F.
Identifiers: ClinVar variation 812219 (VCV000812219.9), dbSNP rs775364986, ClinGen allele CA8328593.
Genomic context (GRCh38, chr17:6,433,984, plus strand): 5'-TGTCGCACCAGAACTCGGCCACCTCGTGCACCCGCATGGAGGTAAGCAGGATCTCCCAGA[C>A]CTCGAGCTTGAACATGTTTCCGATGATGATGTGCATGGGCTGGCCCACCTGCCGACTGTC-3'
Protein context (NP_055151.3, residues 61-81): IIIGNMFKLE[Val71Phe]WEILLTSMRV